The following is an entry in ClinVar:

NM_002900.3(RBP3):c.866T>C (p.Leu289Pro)

Gene: RBP3 (retinol binding protein 3; plus strand). Cytogenetic location: 10q11.22.
Variant type: single nucleotide variant.
Coding change: c.866T>C on transcript NM_002900.3 (MANE Select); coding-DNA position 866, T replaced by C.
Protein change: p.Leu289Pro; replaces leucine 289 with proline.
Molecular consequence: missense variant.
Genome position (GRCh38, 1-based): chr10:47,349,350, T>C. VCF-style: chr10-47349350-T-C. GRCh37 (hg19) VCF-style: chr10-48390012-A-G.
Other names: short protein forms L289P.
Identifiers: ClinVar variation 968042 (VCV000968042.9), dbSNP rs1449814820, ClinGen allele CA376666982.

ClinVar aggregate classification (germline): Uncertain significance (1 of 4 stars; one submission).

Allele frequency attached by ClinVar (database versions not stated): gnomAD exomes below 0.00001; gnomAD 0.00001; TOPMed 0.00001.
gnomAD v4.1: 2 of 1,612,282 alleles (0.00012%); highest among the groups gnomAD compares: African/African-American, 0.0027%; no homozygotes.

Submission:

Labcorp Genetics (formerly Invitae), Labcorp
Classification: Uncertain significance. Last evaluated: 2023-08-04. Review status: criteria provided, single submitter. Criteria: Invitae Variant Classification Sherloc (09022015). Collection method: clinical testing. Allele origin: germline.
Comment: In summary, the available evidence is currently insufficient to determine the role of this variant in disease. Therefore, it has been classified as a Variant of Uncertain Significance. An algorithm developed to predict the effect of missense changes on protein structure and function (PolyPhen-2) suggests that this variant is likely to be disruptive. ClinVar contains an entry for this variant (Variation ID: 968042). This variant has not been reported in the literature in individuals affected with RBP3-related conditions. This variant is present in population databases (no rsID available, gnomAD 0.009%). This sequence change replaces leucine, which is neutral and non-polar, with proline, which is neutral and non-polar, at codon 289 of the RBP3 protein (p.Leu289Pro).